The following is an entry in ClinVar:

ClinVar aggregate classification (germline): Uncertain significance. Review status: criteria provided, multiple submitters, no conflicts (2 of 4 stars). 2 submissions from 2 submitters: Uncertain significance (2). Last evaluated 2025-12-08.

Conditions:
Hereditary cancer-predisposing syndrome. Also called: Neoplastic Syndromes, Hereditary; Tumor predisposition; Hereditary neoplastic syndrome; Hereditary Cancer Syndrome. Identifiers: Orphanet 140162, MedGen C0027672, MeSH D009386, MONDO:0015356.

Allele frequency attached by ClinVar (database versions not stated): gnomAD exomes below 0.00001; ExAC 0.00001; gnomAD 0.00001.
gnomAD v4.1: 3 of 1,614,090 alleles (0.00019%); highest among the groups gnomAD compares: South Asian, 0.0011%; no homozygotes.

Submissions (2):

Labcorp Genetics (formerly Invitae), Labcorp
Classification: Uncertain significance. Last evaluated: 2025-12-08. Review status: criteria provided, single submitter. Criteria: Invitae Variant Classification Sherloc (09022015). Collection method: clinical testing. Allele origin: germline.
Comment: This sequence change replaces leucine, which is neutral and non-polar, with valine, which is neutral and non-polar, at codon 321 of the FH protein (p.Leu321Val). This variant is present in population databases (rs763077972, gnomAD 0.0009%). This variant has not been reported in the literature in individuals affected with FH-related conditions. ClinVar contains an entry for this variant (Variation ID: 1363883). Invitae Evidence Modeling of protein sequence and biophysical properties (such as structural, functional, and spatial information, amino acid conservation, physicochemical variation, residue mobility, and thermodynamic stability) indicates that this missense variant is not expected to disrupt FH protein function with a negative predictive value of 95%. In summary, the available evidence is currently insufficient to determine the role of this variant in disease. Therefore, it has been classified as a Variant of Uncertain Significance.

Ambry Genetics
Classification: Uncertain significance for Hereditary cancer-predisposing syndrome. Last evaluated: 2024-05-10. Review status: criteria provided, single submitter. Criteria: Ambry Variant Classification Scheme 2023. Collection method: clinical testing. Allele origin: germline.
Comment: The p.L321V variant (also known as c.961C>G), located in coding exon 7 of the FH gene, results from a C to G substitution at nucleotide position 961. The leucine at codon 321 is replaced by valine, an amino acid with highly similar properties. This amino acid position is highly conserved in available vertebrate species. In addition, this alteration is predicted to be deleterious by in silico analysis. Since supporting evidence is limited at this time, the clinical significance of this alteration remains unclear.

NM_000143.4(FH):c.961C>G (p.Leu321Val)

Gene: FH (fumarate hydratase; minus strand). Cytogenetic location: 1q43.
Variant type: single nucleotide variant.
Coding change: c.961C>G on transcript NM_000143.4 (MANE Select); coding-DNA position 961, C replaced by G.
Protein change: p.Leu321Val; replaces leucine 321 with valine.
Molecular consequence: missense variant.
Genome position (GRCh38, 1-based): chr1:241,504,189, G>C on the plus strand (C>G on the coding strand, the complement: FH is on the minus strand). VCF-style: chr1-241504189-G-C. GRCh37 (hg19) VCF-style: chr1-241667489-G-C.
Other names: short protein forms L321V.
Identifiers: ClinVar variation 1363883 (VCV001363883.11), dbSNP rs763077972, ClinGen allele CA1478565.